The following is an entry in ClinVar:

ClinVar aggregate classification (germline): Likely pathogenic (1 of 4 stars; one submission).

Conditions:
Severe intellectual disability-progressive spastic diplegia syndrome (NEDSDV). Also called: NEURODEVELOPMENTAL DISORDER WITH SPASTIC DIPLEGIA AND VISUAL DEFECTS; CTNNB1 Neurodevelopmental Disorder. Identifiers: Orphanet 404473, MedGen C3554449, MONDO:0014035, OMIM 615075.

Submission:

Women's Health and Genetics/Laboratory Corporation of America, LabCorp
Classification: Likely pathogenic for Severe intellectual disability-progressive spastic diplegia syndrome. Last evaluated: 2023-03-16. Review status: criteria provided, single submitter. Criteria: LabCorp Variant Classification Summary - May 2015. Collection method: clinical testing. Allele origin: germline.
Comment: Variant summary: CTNNB1 c.1314dupC (p.Cys439LeufsX18) results in a premature termination codon, predicted to cause a truncation of the encoded protein or absence of the protein due to nonsense mediated decay, which are commonly known mechanisms for disease. Truncations downstream of this position have been reported in association with intellectual disability and associated features of CTNBB1-related disorders in the HGMD database. The variant was absent in 250978 control chromosomes. To our knowledge, no occurrence of c.1314dupC in individuals affected with Severe Intellectual Disability-Progressive Spastic Diplegia Syndrome and no experimental evidence demonstrating its impact on protein function have been reported. No clinical diagnostic laboratories have submitted clinical-significance assessments for this variant to ClinVar after 2014. Based on the evidence outlined above, the variant was classified as likely pathogenic.

NM_001904.4(CTNNB1):c.1314dup (p.Cys439fs)

Genes: CTNNB1 (catenin beta 1; plus strand), LOC126806659 (BRD4-independent group 4 enhancer GRCh37_chr3:41274918-41276117; plus strand). Cytogenetic location: 3p22.1.
Variant type: Duplication.
Coding change: c.1314dup on transcript NM_001904.4 (MANE Select); coding-DNA position 1314, one base duplicated (C; older notation c.1314dupC).
Protein change: p.Cys439fs; shifts the reading frame from cysteine 439.
Molecular consequence: frameshift variant.
Genome position (GRCh38, 1-based): chr3:41,233,657, C duplicated. VCF-style (leftmost placement, unchanged base first): chr3-41233656-T-TC. GRCh37 (hg19) VCF-style: chr3-41275147-T-TC.
Other names: c.1314dup, p.Cys439fs (NM_001098209.2, NM_001098210.2); c.1293dup, p.Cys432fs (NM_001330729.2); short protein forms C432fs, C439fs.
Identifiers: ClinVar variation 2501130 (VCV002501130.1), dbSNP rs2470829269, ClinGen allele CA2580614217.